The following is an entry in ClinVar:

NM_052989.3(IFT122):c.3536G>C (p.Arg1179Pro)

Gene: IFT122 (intraflagellar transport 122; plus strand). Cytogenetic location: 3q22.1.
Variant type: single nucleotide variant.
Coding change: c.3536G>C on transcript NM_052989.3 (MANE Select); coding-DNA position 3536, G replaced by C.
Protein change: p.Arg1179Pro; replaces arginine 1179 with proline.
Molecular consequence: missense variant.
Genome position (GRCh38, 1-based): chr3:129,519,632, G>C. VCF-style: chr3-129519632-G-C. GRCh37 (hg19) VCF-style: chr3-129238475-G-C.
Other names: c.3359G>C, p.Arg1120Pro (NM_018262.4); c.3689G>C, p.Arg1230Pro (NM_052985.4); c.3206G>C, p.Arg1069Pro (NM_052990.3); c.3515G>C, p.Arg1172Pro (NM_001280541.2); c.3086G>C, p.Arg1029Pro (NM_001280545.2); c.2909G>C, p.Arg970Pro (NM_001280546.2); c.3539G>C, p.Arg1180Pro (NM_001410808.1); c.3482G>C, p.Arg1161Pro (NM_001410809.1); and 5 more; short protein forms R1069P, R1103P, R1121P, R1172P, R1179P, R1230P, R1029P, R1051P.
Identifiers: ClinVar variation 3677550 (VCV003677550.2).

ClinVar aggregate classification (germline): Uncertain significance (1 of 4 stars; one submission).

Conditions:
Cranioectodermal dysplasia 1 (CED1). Also called: LEVIN SYNDROME I. Identifiers: Orphanet 1515, MedGen C0432235, MONDO:0021093, OMIM 218330.

gnomAD v4.1: 1 of 1,613,604 alleles (0.000062%); highest among the groups gnomAD compares: Non-Finnish European, 0.000085%; no homozygotes.

Submission:

Labcorp Genetics (formerly Invitae), Labcorp
Classification: Uncertain significance for Cranioectodermal dysplasia 1. Last evaluated: 2024-12-12. Review status: criteria provided, single submitter. Criteria: Invitae Variant Classification Sherloc (09022015). Collection method: clinical testing. Allele origin: germline.
Comment: This sequence change replaces arginine, which is basic and polar, with proline, which is neutral and non-polar, at codon 1230 of the IFT122 protein (p.Arg1230Pro). This variant is present in population databases (rs766429633, gnomAD 0.003%). This variant has not been reported in the literature in individuals affected with IFT122-related conditions. Invitae Evidence Modeling of protein sequence and biophysical properties (such as structural, functional, and spatial information, amino acid conservation, physicochemical variation, residue mobility, and thermodynamic stability) indicates that this missense variant is not expected to disrupt IFT122 protein function with a negative predictive value of 80%. In summary, the available evidence is currently insufficient to determine the role of this variant in disease. Therefore, it has been classified as a Variant of Uncertain Significance.